The following is an entry in ClinVar:

NM_002485.5(NBN):c.14T>C (p.Leu5Pro)

Gene: NBN (nibrin; minus strand). Cytogenetic location: 8q21.3.
Variant type: single nucleotide variant.
Coding change: c.14T>C on transcript NM_002485.5 (MANE Select); coding-DNA position 14, T replaced by C.
Protein change: p.Leu5Pro; replaces leucine 5 with proline.
Molecular consequence: missense variant. On other transcripts: 5 prime UTR variant (1).
Genome position (GRCh38, 1-based): chr8:89,984,548, A>G on the plus strand (T>C on the coding strand, the complement: NBN is on the minus strand). VCF-style: chr8-89984548-A-G. GRCh37 (hg19) VCF-style: chr8-90996776-A-G.
Other names: c.-283T>C (NM_001024688.3); short protein forms L5P.
Identifiers: ClinVar variation 1487753 (VCV001487753.8), dbSNP rs1586116142, ClinGen allele CA371664189.

ClinVar aggregate classification (germline): Uncertain significance (1 of 4 stars; one submission).

Conditions:
Microcephaly, normal intelligence and immunodeficiency (NBS). Also called: BERLIN BREAKAGE SYNDROME; Nijmegen breakage syndrome; Microcephaly with normal intelligence immunodeficiency and lymphoreticular malignancies; Nonsyndromal microcephaly autosomal recessive with normal intelligence; Seemanova syndrome 2; IMMUNODEFICIENCY, MICROCEPHALY, AND CHROMOSOMAL INSTABILITY. Identifiers: Orphanet 647, MedGen C0398791, MONDO:0009623, OMIM 251260.

Submission:

Labcorp Genetics (formerly Invitae), Labcorp
Classification: Uncertain significance for Microcephaly, normal intelligence and immunodeficiency. Last evaluated: 2023-04-28. Review status: criteria provided, single submitter. Criteria: Invitae Variant Classification Sherloc (09022015). Collection method: clinical testing. Allele origin: germline.
Comment: In summary, the available evidence is currently insufficient to determine the role of this variant in disease. Therefore, it has been classified as a Variant of Uncertain Significance. An algorithm developed to predict the effect of missense changes on protein structure and function (PolyPhen-2) suggests that this variant is likely to be tolerated. ClinVar contains an entry for this variant (Variation ID: 1487753). This variant has not been reported in the literature in individuals affected with NBN-related conditions. This variant is not present in population databases (gnomAD no frequency). This sequence change replaces leucine, which is neutral and non-polar, with proline, which is neutral and non-polar, at codon 5 of the NBN protein (p.Leu5Pro).